The following is an entry in ClinVar:

NM_000059.4(BRCA2):c.1429dup (p.His477fs)

Gene: BRCA2 (BRCA2 DNA repair associated; plus strand). Cytogenetic location: 13q13.1.
Variant type: Duplication.
Coding change: c.1429dup on transcript NM_000059.4 (MANE Select); coding-DNA position 1429, one base duplicated (C; older notation c.1429dupC).
Protein change: p.His477fs; shifts the reading frame from histidine 477.
Molecular consequence: frameshift variant. On other transcripts: non-coding transcript variant (1), intron variant (1).
Genome position (GRCh38, 1-based): chr13:32,332,907, C duplicated. VCF-style (leftmost placement, unchanged base first): chr13-32332906-T-TC. GRCh37 (hg19) VCF-style: chr13-32907043-T-TC.
Other names: c.1429dup, p.His477fs (NM_001406719.1, NM_001406720.1, NM_001406721.1); c.424+1877dup (NM_001406722.1); short protein forms H477fs.
Identifiers: ClinVar variation 2764538 (VCV002764538.3), dbSNP rs2548520259, ClinGen allele CA2697551727.

ClinVar aggregate classification (germline): Pathogenic (1 of 4 stars; one submission).

Conditions:
Hereditary breast ovarian cancer syndrome. Also called: Hereditary breast and ovarian cancer syndrome; Hereditary breast and/or ovarian cancer syndrome; BRCA1- and BRCA2-Associated Hereditary Breast and Ovarian Cancer; Hereditary breast and ovarian cancer; Breast and ovarian cancer; Hereditary breast and ovarian cancer syndrome (HBOC). Identifiers: Orphanet 145, MedGen C0677776, MeSH D061325, MONDO:0003582. Disease mechanism: loss of function.

Submission:

Labcorp Genetics (formerly Invitae), Labcorp
Classification: Pathogenic for Hereditary breast ovarian cancer syndrome. Last evaluated: 2023-09-30. Review status: criteria provided, single submitter. Criteria: Invitae Variant Classification Sherloc (09022015). Collection method: clinical testing. Allele origin: germline.
Comment: For these reasons, this variant has been classified as Pathogenic. This variant has not been reported in the literature in individuals affected with BRCA2-related conditions. This variant is not present in population databases (gnomAD no frequency). This sequence change creates a premature translational stop signal (p.His477Profs*37) in the BRCA2 gene. It is expected to result in an absent or disrupted protein product. Loss-of-function variants in BRCA2 are known to be pathogenic (PMID: 20104584).

Literature cited by the submitters: PubMed 20104584.